The following is an entry in ClinVar:

ClinVar aggregate classification (germline): Uncertain significance (1 of 4 stars; one submission).

Allele frequency attached by ClinVar (database versions not stated): TOPMed 0.00001; gnomAD exomes 0.00003.
gnomAD v4.1: 37 of 1,613,926 alleles (0.0023%); highest among the groups gnomAD compares: Non-Finnish European, 0.003%; no homozygotes.

Submission:

Labcorp Genetics (formerly Invitae), Labcorp
Classification: Uncertain significance. Last evaluated: 2023-08-17. Review status: criteria provided, single submitter. Criteria: Invitae Variant Classification Sherloc (09022015). Collection method: clinical testing. Allele origin: germline.
Comment: An algorithm developed to predict the effect of missense changes on protein structure and function (PolyPhen-2) suggests that this variant is likely to be tolerated. In summary, the available evidence is currently insufficient to determine the role of this variant in disease. Therefore, it has been classified as a Variant of Uncertain Significance. ClinVar contains an entry for this variant (Variation ID: 1983123). This variant has not been reported in the literature in individuals affected with TMTC3-related conditions. This variant is present in population databases (no rsID available, gnomAD 0.003%). This sequence change replaces asparagine, which is neutral and polar, with serine, which is neutral and polar, at codon 284 of the TMTC3 protein (p.Asn284Ser).

NM_181783.4(TMTC3):c.851A>G (p.Asn284Ser)

Gene: TMTC3 (transmembrane O-mannosyltransferase targeting cadherins 3; plus strand). Cytogenetic location: 12q21.32.
Variant type: single nucleotide variant.
Coding change: c.851A>G on transcript NM_181783.4 (MANE Select); coding-DNA position 851, A replaced by G.
Protein change: p.Asn284Ser; replaces asparagine 284 with serine.
Molecular consequence: missense variant. On other transcripts: non-coding transcript variant (1).
Genome position (GRCh38, 1-based): chr12:88,166,383, A>G. VCF-style: chr12-88166383-A-G. GRCh37 (hg19) VCF-style: chr12-88560160-A-G.
Other names: c.671A>G, p.Asn224Ser (NM_001366574.1); c.632A>G, p.Asn211Ser (NM_001366579.1); c.584A>G, p.Asn195Ser (NM_001366580.1); c.158A>G, p.Asn53Ser (NM_001366583.1); short protein forms N211S, N195S, N224S, N53S, N284S.
Identifiers: ClinVar variation 1983123 (VCV001983123.4), dbSNP rs1238997504, ClinGen allele CA385998466.